The following is an entry in ClinVar:

NM_001009999.3(KDM1A):c.578-3T>C

Gene: KDM1A (lysine demethylase 1A; plus strand). Cytogenetic location: 1p36.12.
Variant type: single nucleotide variant.
Coding change: c.578-3T>C on transcript NM_001009999.3 (MANE Select); 3 bases into the intron before coding-DNA position 578, T replaced by C.
Molecular consequence: intron variant.
Genome position (GRCh38, 1-based): chr1:23,050,384, T>C. VCF-style: chr1-23050384-T-C. GRCh37 (hg19) VCF-style: chr1-23376877-T-C.
Other names: c.578-3T>C (NM_001410762.1); c.518-3T>C (NM_001363654.2, NM_001410763.1, NM_015013.4).
Identifiers: ClinVar variation 3674588 (VCV003674588.2).

ClinVar aggregate classification (germline): Uncertain significance (1 of 4 stars; one submission).

Submission:

Labcorp Genetics (formerly Invitae), Labcorp
Classification: Uncertain significance. Last evaluated: 2024-05-23. Review status: criteria provided, single submitter. Criteria: Invitae Variant Classification Sherloc (09022015). Collection method: clinical testing. Allele origin: germline.
Comment: This sequence change falls in intron 3 of the KDM1A gene. It does not directly change the encoded amino acid sequence of the KDM1A protein. It affects a nucleotide within the consensus splice site. This variant is present in population databases (no rsID available, gnomAD 0.0009%). This variant has not been reported in the literature in individuals affected with KDM1A-related conditions. Variants that disrupt the consensus splice site are a relatively common cause of aberrant splicing (PMID: 17576681, 9536098). Algorithms developed to predict the effect of sequence changes on RNA splicing suggest that this variant is not likely to affect RNA splicing. In summary, the available evidence is currently insufficient to determine the role of this variant in disease. Therefore, it has been classified as a Variant of Uncertain Significance.

Literature cited by the submitters: PubMed 17576681; PubMed 9536098.